The following is an entry in ClinVar:

NM_001277115.2(DNAH11):c.*125C>T

Genes: CDCA7L (cell division cycle associated 7 like; minus strand), DNAH11 (dynein axonemal heavy chain 11; plus strand). Cytogenetic location: 7p15.3.
Variant type: single nucleotide variant.
Coding change: c.*125C>T on transcript NM_001277115.2 (MANE Select); 125 bases downstream of the stop codon, C replaced by T.
Molecular consequence: 3 prime UTR variant.
Genome position (GRCh38, 1-based): chr7:21,901,379, C>T. VCF-style: chr7-21901379-C-T. GRCh37 (hg19) VCF-style: chr7-21940997-C-T.
Other names: c.*943G>A (NM_001127370.3, NM_001127371.3, NM_018719.5).
Identifiers: ClinVar variation 3730887 (VCV003730887.1).
Genomic context (GRCh38, chr7:21,901,379, plus strand): 5'-ACTGTTCCCATGCACATTATTCTAACTTTTTAGTAACTCACACGTGCATTCTTTTTTCAA[C>T]GCTATCCTTAGAGTGAAAGTCAGAAAAAAATACTAGAAACTAACTCAGGGCTGAGCGTGG-3'

ClinVar aggregate classification (germline): Likely benign (1 of 4 stars; one submission).

gnomAD v4.1: 1,492 of 1,303,186 alleles (0.11%); highest among the groups gnomAD compares: African/African-American, 1.3%; 9 homozygotes.

Submission:

GeneDx
Classification: Likely benign. Last evaluated: 2021-11-19. Review status: criteria provided, single submitter. Criteria: GeneDx Variant Classification Process June 2021. Collection method: clinical testing. Allele origin: germline. Affected: yes.
Comment: See Variant Classification Assertion Criteria.